The following is an entry in ClinVar:

ClinVar aggregate classification (germline): Uncertain significance (1 of 4 stars; one submission).

Conditions:
Gordon syndrome (DA3). Also called: Gordon's syndrome; ARTHROGRYPOSIS MULTIPLEX CONGENITA, DISTAL, TYPE IIA; CAMPTODACTYLY, CLEFT PALATE, AND CLUBFOOT. Identifiers: Orphanet 376, MedGen C0220666, MONDO:0007252, OMIM 114300.

gnomAD v4.1: 24 of 1,537,350 alleles (0.0016%); highest among the groups gnomAD compares: East Asian, 0.0073%; no homozygotes.

Submission:

Victorian Clinical Genetics Services, Murdoch Childrens Research Institute
Classification: Uncertain significance for Gordon syndrome. Last evaluated: 2023-07-16. Review status: criteria provided, single submitter. Criteria: ACMG Guidelines, 2015. Collection method: clinical testing. Allele origin: germline. Affected: yes.
Comment: Based on the classification scheme VCGS_Germline_v1.3.4, this variant is classified as VUS-3B. Following criteria are met: 0103 - Loss of function and gain of function are known mechanisms of disease in this gene and are associated with arthrogryposis. Loss of function has generally been shown to be caused by NMD variants, whereas gain of function has generally been associated with missense variants clustered in the C-terminal region (PMID: 30988732). (I) 0108 - This gene is associated with both recessive and dominant disease. NMD variants are associated with recessive disease, while missense variants are associated with dominant disease (PMID: 30988732). The phenotypes have been recently regarded as etiologically related (PMID: 24726473). (I) 0200 - Variant is predicted to result in a missense amino acid change from serine to glycine. (I) 0251 - This variant is heterozygous. (I) 0304 - Variant is present in gnomAD <0.01 (v2: 1 heterozygote, 0 homozygotes). (SP) 0502 - Missense variant with conflicting in silico predictions and uninformative conservation. (I) 0604 - Variant is not located in an established domain, motif, hotspot or informative constraint region. (I) 0705 - No comparable missense variants have previous evidence for pathogenicity. (I) 0807 - This variant has no previous evidence of pathogenicity. (I) 0905 - No published segregation evidence has been identified for this variant. (I) 1007 - No published functional evidence has been identified for this variant. (I) 1208 - Inheritance information for this variant is not currently available in this individual. (I) Legend: (SP) - Supporting pathogenic, (I) - Information, (SB) - Supporting benign

Literature cited by the submitters: PubMed 24726473; PubMed 30988732.

NM_001378183.1(PIEZO2):c.1159A>G (p.Ser387Gly)

Gene: PIEZO2 (piezo type mechanosensitive ion channel component 2; minus strand). Cytogenetic location: 18p11.22.
Variant type: single nucleotide variant.
Coding change: c.1159A>G on transcript NM_001378183.1 (MANE Select); coding-DNA position 1159, A replaced by G.
Protein change: p.Ser387Gly; replaces serine 387 with glycine.
Molecular consequence: missense variant.
Genome position (GRCh38, 1-based): chr18:10,803,916, T>C on the plus strand (A>G on the coding strand, the complement: PIEZO2 is on the minus strand). VCF-style: chr18-10803916-T-C. GRCh37 (hg19) VCF-style: chr18-10803914-T-C.
Other names: c.1159A>G, p.Ser387Gly (NM_001410871.1, NM_022068.4); short protein forms S387G.
Identifiers: ClinVar variation 3376920 (VCV003376920.1).